The following is an entry in ClinVar:

ClinVar aggregate classification (germline): Uncertain significance (1 of 4 stars; one submission).

Submission:

Labcorp Genetics (formerly Invitae), Labcorp
Classification: Uncertain significance. Last evaluated: 2024-06-15. Review status: criteria provided, single submitter. Criteria: Invitae Variant Classification Sherloc (09022015). Collection method: clinical testing. Allele origin: germline.
Comment: This sequence change replaces valine, which is neutral and non-polar, with glycine, which is neutral and non-polar, at codon 234 of the ARHGEF10 protein (p.Val234Gly). This variant is not present in population databases (gnomAD no frequency). This variant has not been reported in the literature in individuals affected with ARHGEF10-related conditions. An algorithm developed to predict the effect of missense changes on protein structure and function (PolyPhen-2) suggests that this variant is likely to be disruptive. In summary, the available evidence is currently insufficient to determine the role of this variant in disease. Therefore, it has been classified as a Variant of Uncertain Significance.

NM_014629.4(ARHGEF10):c.701T>G (p.Val234Gly)

Gene: ARHGEF10 (Rho guanine nucleotide exchange factor 10; plus strand). Cytogenetic location: 8p23.3.
Variant type: single nucleotide variant.
Coding change: c.701T>G on transcript NM_014629.4 (MANE Select); coding-DNA position 701, T replaced by G.
Protein change: p.Val234Gly; replaces valine 234 with glycine.
Molecular consequence: missense variant.
Genome position (GRCh38, 1-based): chr8:1,876,592, T>G. VCF-style: chr8-1876592-T-G. GRCh37 (hg19) VCF-style: chr8-1824758-T-G.
Other names: c.704T>G, p.Val235Gly (NM_001308152.2, NM_001308153.3); short protein forms V259G, V234G, V235G.
Identifiers: ClinVar variation 3655792 (VCV003655792.2).